The following is an entry in ClinVar:

ClinVar aggregate classification (germline): Likely pathogenic (1 of 4 stars; one submission).

Conditions:
Oculocerebrofacial syndrome, Kaufman type. Also called: Blepharophimosis-ptosis-intellectual disability syndrome. Identifiers: Orphanet 2707, MedGen C1855663, MONDO:0009485, OMIM 244450.

Submission:

Dasa
Classification: Likely pathogenic for Oculocerebrofacial syndrome, Kaufman type. Last evaluated: 2025-06-09. Review status: criteria provided, single submitter. Criteria: DASA Assertion Criteria. Collection method: clinical testing. Allele origin: germline.
Comment: NM_130466.4(UBE3B):c.1458_1461del (p.Tyr487Leufs*21) is a frameshift variant in UBE3B predicted to alter the reading frame and introduce a premature termination codon and is predicted to result in an absent or altered protein product. Loss of function is an established disease mechanism for UBE3B-associated disorders. Also, this variant is rare in population databases. Based on the currently available evidence, this variant is classified as likely pathogenic.

NM_130466.4(UBE3B):c.1458_1461del (p.Tyr487fs)

Gene: UBE3B (ubiquitin protein ligase E3B; plus strand). Cytogenetic location: 12q24.11.
Variant type: Deletion.
Coding change: c.1458_1461del on transcript NM_130466.4 (MANE Select); coding-DNA positions 1458 to 1461, 4 bases deleted (TTAC; older notation c.1458_1461delTTAC).
Protein change: p.Tyr487fs; shifts the reading frame from tyrosine 487.
Molecular consequence: frameshift variant.
Genome position (GRCh38, 1-based): chr12:109,507,571-109,507,574, TTAC deleted; deleting any 4 consecutive bases within chr12:109,507,569-109,507,574 gives the same sequence; the c. name uses the placement nearest the transcript's 3' end. VCF-style (leftmost placement, unchanged base first): chr12-109507568-CACTT-C. GRCh37 (hg19) VCF-style: chr12-109945373-CACTT-C.
Other names: c.1458_1461del, p.Tyr487fs (NM_183415.3); short protein forms Y487fs.
Identifiers: ClinVar variation 4880747 (VCV004880747.2).